The following is an entry in ClinVar:

ClinVar aggregate classification (germline): Uncertain significance. Review status: criteria provided, multiple submitters, no conflicts (2 of 4 stars). 3 submissions from 3 submitters: Uncertain significance (3). Last evaluated 2025-12-29.

Conditions:
Hereditary cancer-predisposing syndrome. Also called: Neoplastic Syndromes, Hereditary; Tumor predisposition; Hereditary Cancer Syndrome; Hereditary neoplastic syndrome. Identifiers: Orphanet 140162, MedGen C0027672, MeSH D009386, MONDO:0015356.

Submissions (3):

Center for Genomic Medicine, Rigshospitalet, Copenhagen University Hospital
Classification: Uncertain significance. Last evaluated: 2025-12-29. Review status: criteria provided, single submitter. Criteria: ACMG Guidelines, 2015. Collection method: clinical testing. Allele origin: germline.
Comment: Classification criteria: PP3_strong

Labcorp Genetics (formerly Invitae), Labcorp
Classification: Uncertain significance. Last evaluated: 2024-10-16. Review status: criteria provided, single submitter. Criteria: Invitae Variant Classification Sherloc (09022015). Collection method: clinical testing. Allele origin: germline.
Comment: This sequence change replaces cysteine, which is neutral and slightly polar, with phenylalanine, which is neutral and non-polar, at codon 300 of the NTHL1 protein (p.Cys300Phe). This variant is not present in population databases (gnomAD no frequency). This variant has not been reported in the literature in individuals affected with NTHL1-related conditions. ClinVar contains an entry for this variant (Variation ID: 1765388). An algorithm developed to predict the effect of missense changes on protein structure and function (PolyPhen-2) suggests that this variant is likely to be disruptive. In summary, the available evidence is currently insufficient to determine the role of this variant in disease. Therefore, it has been classified as a Variant of Uncertain Significance.

Ambry Genetics
Classification: Uncertain significance for Hereditary cancer-predisposing syndrome. Last evaluated: 2024-09-08. Review status: criteria provided, single submitter. Criteria: Ambry Variant Classification Scheme 2023. Collection method: clinical testing. Allele origin: germline.
Comment: The p.C300F variant (also known as c.899G>T), located in coding exon 6 of the NTHL1 gene, results from a G to T substitution at nucleotide position 899. The cysteine at codon 300 is replaced by phenylalanine, an amino acid with highly dissimilar properties. This amino acid position is conserved. In addition, this alteration is predicted to be deleterious by in silico analysis. Since supporting evidence is limited at this time, the clinical significance of this alteration remains unclear.

NM_002528.7(NTHL1):c.875G>T (p.Cys292Phe)

Gene: NTHL1 (nth like DNA glycosylase 1; minus strand). Cytogenetic location: 16p13.3.
Variant type: single nucleotide variant.
Coding change: c.875G>T on transcript NM_002528.7 (MANE Select); coding-DNA position 875, G replaced by T.
Protein change: p.Cys292Phe; replaces cysteine 292 with phenylalanine.
Molecular consequence: missense variant.
Genome position (GRCh38, 1-based): chr16:2,039,964, C>A on the plus strand (G>T on the coding strand, the complement: NTHL1 is on the minus strand). VCF-style: chr16-2039964-C-A. GRCh37 (hg19) VCF-style: chr16-2089965-C-A.
Other names: c.704G>T, p.Cys235Phe (NM_001318193.2); c.545G>T, p.Cys182Phe (NM_001318194.2); short protein forms C235F, C182F, C292F.
Identifiers: ClinVar variation 1765388 (VCV001765388.6), dbSNP rs2084236677, ClinGen allele CA394287127.